The following is an entry in ClinVar:

ClinVar aggregate classification (germline): Conflicting classifications of pathogenicity. Review status: criteria provided, conflicting classifications (1 of 4 stars). 8 submissions from 8 submitters: Uncertain significance (1); Benign (1); Likely benign (6). Last evaluated 2026-05-21.

Conditions:
DICER1-related disorder. Also called: DICER1-related condition.
DICER1-related tumor predisposition. Also called: DICER1 syndrome; DICER1-related pleuropulmonary blastoma cancer predisposition syndrome. Identifiers: Orphanet 284343, MedGen C3839822, MONDO:0100216.
Hereditary cancer-predisposing syndrome. Also called: Hereditary Cancer Syndrome; Tumor predisposition; Hereditary neoplastic syndrome; Neoplastic Syndromes, Hereditary. Identifiers: Orphanet 140162, MedGen C0027672, MeSH D009386, MONDO:0015356.

Allele frequency attached by ClinVar (database versions not stated): ExAC 0.00004; gnomAD 0.00004; gnomAD exomes 0.00005 and 0.00019; TOPMed 0.00005.
gnomAD v4.1: 211 of 1,230,342 alleles (0.017%); highest among the groups gnomAD compares: Non-Finnish European, 0.023%; no homozygotes.

Submissions (8):

PreventionGenetics, part of Exact Sciences
Classification: Likely benign for DICER1-related condition. Last evaluated: 2026-05-21. Review status: criteria provided, single submitter. Criteria: ACMG Guidelines, 2015. Collection method: clinical testing. Allele origin: germline.
Comment: This variant is classified as likely benign based on ACMG/AMP sequence variant interpretation guidelines (Richards et al. 2015 PMID: 25741868, with internal and published modifications).

Myriad Genetics, Inc.
Classification: Benign for DICER1-related tumor predisposition. Last evaluated: 2026-04-16. Review status: criteria provided, single submitter. Criteria: Myriad Autosomal Dominant, Autosomal Recessive and X-Linked Classification Criteria (2023). Collection method: clinical testing. Allele origin: unknown.
Comment: This variant is considered benign. This variant is a silent/synonymous amino acid change and it is not expected to impact splicing.

Labcorp Genetics (formerly Invitae), Labcorp
Classification: Likely benign for DICER1-related tumor predisposition. Last evaluated: 2026-02-03. Review status: criteria provided, single submitter. Criteria: Invitae Variant Classification Sherloc (09022015). Collection method: clinical testing. Allele origin: germline.

Center for Genomic Medicine, Rigshospitalet, Copenhagen University Hospital
Classification: Likely benign. Last evaluated: 2025-03-04. Review status: criteria provided, single submitter. Criteria: ACMG Guidelines, 2015. Collection method: clinical testing. Allele origin: germline.

ARUP Laboratories, Molecular Genetics and Genomics, ARUP Laboratories
Classification: Likely benign. Last evaluated: 2024-12-18. Review status: criteria provided, single submitter. Criteria: ARUP Molecular Germline Variant Investigation Process 2024. Collection method: clinical testing. Allele origin: germline.

Sema4
Classification: Uncertain significance for Hereditary cancer-predisposing syndrome. Last evaluated: 2021-11-01. Review status: criteria provided, single submitter. Criteria: Sema4 Curation Guidelines. Collection method: curation. Allele origin: germline.
Comment: The DICER1 c.2658C>T ( p.D886=) variant has not been reported in the literature to our knowledge. This variant was observed in 12/113442 chromosomes, including no homozygotes, in the Non-Finnish European subpopulation in the large and broad cohorts of the Genome Aggregation Database (PMID: 32461654). This variant has been reported in ClinVar (Variation ID: 417097). The evidence is insufficient to meet ACMG/AMP criteria for classifying the variant as benign or pathogenic. Thus, the clinical significance of this variant is currently uncertain.

GeneDx
Classification: Likely benign. Last evaluated: 2018-05-17. Review status: criteria provided, single submitter. Criteria: GeneDx Variant Classification (06012015). Collection method: clinical testing. Allele origin: germline. Affected: yes.
Comment: This variant is considered likely benign or benign based on one or more of the following criteria: it is a conservative change, it occurs at a poorly conserved position in the protein, it is predicted to be benign by multiple in silico algorithms, and/or has population frequency not consistent with disease.

Ambry Genetics
Classification: Likely benign for Hereditary cancer-predisposing syndrome. Last evaluated: 2017-03-31. Review status: criteria provided, single submitter. Criteria: Ambry Variant Classification Scheme 2023. Collection method: clinical testing. Allele origin: germline.

NM_177438.3(DICER1):c.2658C>T (p.Asp886=)

Gene: DICER1 (dicer 1, ribonuclease III; minus strand). Cytogenetic location: 14q32.13.
Variant type: single nucleotide variant.
Coding change: c.2658C>T on transcript NM_177438.3 (MANE Select); coding-DNA position 2658, C replaced by T.
Protein change: p.Asp886=; no amino-acid change (aspartic acid 886 retained).
Molecular consequence: synonymous variant.
Genome position (GRCh38, 1-based): chr14:95,107,754, G>A on the plus strand (C>T on the coding strand, the complement: DICER1 is on the minus strand). VCF-style: chr14-95107754-G-A. GRCh37 (hg19) VCF-style: chr14-95574091-G-A.
Other names: c.2658C>T, p.Asp886= (NM_001195573.1, NM_001271282.3, NM_001291628.2 and 1 more transcripts).
Identifiers: ClinVar variation 417097 (VCV000417097.25), dbSNP rs771049445, ClinGen allele CA7331195.